The following is an entry in ClinVar:

NM_018834.6(MATR3):c.2210A>G (p.Asn737Ser)

Gene: MATR3 (matrin 3; plus strand). Cytogenetic location: 5q31.2.
Variant type: single nucleotide variant.
Coding change: c.2210A>G on transcript NM_018834.6 (MANE Select); coding-DNA position 2210, A replaced by G.
Protein change: p.Asn737Ser; replaces asparagine 737 with serine.
Molecular consequence: missense variant.
Genome position (GRCh38, 1-based): chr5:139,325,501, A>G. VCF-style: chr5-139325501-A-G. GRCh37 (hg19) VCF-style: chr5-138661190-A-G.
Other names: c.2210A>G, p.Asn737Ser (NM_001194954.2, NM_001194955.2, NM_001400447.1 and 11 more transcripts); c.1346A>G, p.Asn449Ser (NM_001194956.2); c.1196A>G, p.Asn399Ser (NM_001282278.2, NM_001400462.1, NM_001400463.1 and 4 more transcripts); c.2354A>G, p.Asn785Ser (NM_001400441.1, NM_001400442.1, NM_001400443.1 and 2 more transcripts); c.1349A>G, p.Asn450Ser (NM_001400459.1); c.1340A>G, p.Asn447Ser (NM_001400460.1); c.1310A>G, p.Asn437Ser (NM_001400461.1); short protein forms N399S, N437S, N447S, N785S, N450S, N449S, N737S.
Identifiers: ClinVar variation 3718500 (VCV003718500.2).

ClinVar aggregate classification (germline): Uncertain significance (1 of 4 stars; one submission).

Conditions:
Amyotrophic lateral sclerosis type 21. Also called: MYOPATHY, DISTAL, 2; VOCAL CORD AND PHARYNGEAL DYSFUNCTION WITH DISTAL MYOPATHY. Identifiers: Orphanet 600, Orphanet 803, MedGen C3807521, MONDO:0011632, OMIM 606070.

gnomAD v4.1: 1 of 1,614,226 alleles (0.000062%); highest among the groups gnomAD compares: Non-Finnish European, 0.000085%; no homozygotes.

Submission:

Labcorp Genetics (formerly Invitae), Labcorp
Classification: Uncertain significance for Amyotrophic lateral sclerosis type 21. Last evaluated: 2025-01-13. Review status: criteria provided, single submitter. Criteria: Invitae Variant Classification Sherloc (09022015). Collection method: clinical testing. Allele origin: germline.
Comment: This sequence change replaces asparagine, which is neutral and polar, with serine, which is neutral and polar, at codon 737 of the MATR3 protein (p.Asn737Ser). This variant is not present in population databases (gnomAD no frequency). This variant has not been reported in the literature in individuals affected with MATR3-related conditions. Invitae Evidence Modeling of protein sequence and biophysical properties (such as structural, functional, and spatial information, amino acid conservation, physicochemical variation, residue mobility, and thermodynamic stability) indicates that this missense variant is not expected to disrupt MATR3 protein function with a negative predictive value of 80%. In summary, the available evidence is currently insufficient to determine the role of this variant in disease. Therefore, it has been classified as a Variant of Uncertain Significance.